The following is an entry in ClinVar:

ClinVar aggregate classification (germline): Uncertain significance (1 of 4 stars; one submission).

Conditions:
Dilated cardiomyopathy 1G (CMD1G). Identifiers: Orphanet 154, MedGen C1858763, MONDO:0011400, OMIM 604145.
Autosomal recessive limb-girdle muscular dystrophy type 2J (LGMDR10). Also called: Limb-girdle muscular dystrophy, type 2J; MUSCULAR DYSTROPHY, LIMB-GIRDLE, AUTOSOMAL RECESSIVE 10. Identifiers: Orphanet 140922, MedGen C1837342, MONDO:0012127, OMIM 608807.

Submission:

Labcorp Genetics (formerly Invitae), Labcorp
Classification: Uncertain significance for Dilated cardiomyopathy 1G; Autosomal recessive limb-girdle muscular dystrophy type 2J. Last evaluated: 2023-09-19. Review status: criteria provided, single submitter. Criteria: Invitae Variant Classification Sherloc (09022015). Collection method: clinical testing. Allele origin: germline.
Comment: This variant has not been reported in the literature in individuals affected with TTN-related conditions. This variant is located in the A band of TTN (PMID: 25589632). Variants in this region may be relevant for cardiac or neuromuscular disorders (PMID: 25589632, 23975875). In summary, the available evidence is currently insufficient to determine the role of this variant in disease. Therefore, it has been classified as a Variant of Uncertain Significance. Experimental studies and prediction algorithms are not available or were not evaluated, and the functional significance of this variant is currently unknown. This variant is not present in population databases (gnomAD no frequency). This sequence change replaces arginine, which is basic and polar, with lysine, which is basic and polar, at codon 31747 of the TTN protein (p.Arg31747Lys).

Literature cited by the submitters: PubMed 25589632; PubMed 23975875.

NM_001267550.2(TTN):c.95240G>A (p.Arg31747Lys)

Genes: TTN-AS1 (TTN antisense RNA 1; plus strand), TTN (titin; minus strand). Cytogenetic location: 2q31.2.
Variant type: single nucleotide variant.
Coding change: c.95240G>A on transcript NM_001267550.2 (MANE Select); coding-DNA position 95240, G replaced by A.
Protein change: p.Arg31747Lys; replaces arginine 31747 with lysine.
Molecular consequence: missense variant.
Genome position (GRCh38, 1-based): chr2:178,545,996, C>T on the plus strand (G>A on the coding strand, the complement: TTN is on the minus strand). VCF-style: chr2-178545996-C-T. GRCh37 (hg19) VCF-style: chr2-179410723-C-T.
Other names: c.90317G>A, p.Arg30106Lys (NM_001256850.1); c.68045G>A, p.Arg22682Lys (NM_003319.4); c.87536G>A, p.Arg29179Lys (NM_133378.4); c.68420G>A, p.Arg22807Lys (NM_133432.3); c.68621G>A, p.Arg22874Lys (NM_133437.4); short protein forms R29179K, R30106K, R22682K, R22807K, R22874K, R31747K.
Identifiers: ClinVar variation 2950709 (VCV002950709.3), dbSNP rs2469030751, ClinGen allele CA349463767.